The following is an entry in ClinVar:

NM_000535.7(PMS2):c.1472_1485del (p.Glu491fs)

Gene: PMS2 (PMS1 homolog 2, mismatch repair system component; minus strand). Cytogenetic location: 7p22.1.
Variant type: Deletion.
Coding change: c.1472_1485del on transcript NM_000535.7 (MANE Select); coding-DNA positions 1472 to 1485, 14 bases deleted (AGAAGGACTCGGGG).
Protein change: p.Glu491fs; shifts the reading frame from glutamic acid 491.
Molecular consequence: frameshift variant. On other transcripts: non-coding transcript variant (1).
Genome position (GRCh38, 1-based): chr7:5,987,280-5,987,293, CCCCGAGTCCTTCT deleted on the plus strand (AGAAGGACTCGGGG on the coding strand, the reverse complement: PMS2 is on the minus strand); deleting any 14 consecutive bases within chr7:5,987,280-5,987,295 gives the same sequence; the c. name uses the placement nearest the transcript's 3' end. VCF-style (leftmost placement, unchanged base first): chr7-5987279-GCCCCGAGTCCTTCT-G. GRCh37 (hg19) VCF-style: chr7-6026910-GCCCCGAGTCCTTCT-G.
Other names: c.1067_1080del, p.Glu356fs (NM_001322003.2, NM_001322004.2, NM_001322005.2 and 1 more transcripts); c.1316_1329del, p.Glu439fs (NM_001322006.2); c.1154_1167del, p.Glu385fs (NM_001322007.2, NM_001322008.2); c.911_924del, p.Glu304fs (NM_001322010.2); c.539_552del, p.Glu180fs (NM_001322011.2, NM_001322012.2); c.899_912del, p.Glu300fs (NM_001322013.2); c.1472_1485del, p.Glu491fs (NM_001322014.2); c.1163_1176del, p.Glu388fs (NM_001322015.2); short protein forms E300fs, E180fs, E304fs, E356fs, E385fs, E439fs, E388fs, E491fs.
Identifiers: ClinVar variation 572207 (VCV000572207.9), dbSNP rs1562632035, ClinGen allele CA891842812.

ClinVar aggregate classification (germline): Pathogenic. Review status: criteria provided, multiple submitters, no conflicts (2 of 4 stars). 4 submissions from 4 submitters: Pathogenic (4). Last evaluated 2023-09-20.

Conditions:
Hereditary cancer-predisposing syndrome. Also called: Hereditary neoplastic syndrome; Tumor predisposition; Neoplastic Syndromes, Hereditary; Hereditary Cancer Syndrome. Identifiers: Orphanet 140162, MedGen C0027672, MeSH D009386, MONDO:0015356.
Lynch syndrome. Identifiers: Orphanet 144, MedGen C4552100, MONDO:0005835. Disease mechanism: loss of function.
Hereditary nonpolyposis colorectal neoplasms. Identifiers: MedGen C0009405, MeSH D003123.
Lynch syndrome 4 (LYNCH4). Also called: Hereditary non-polyposis colorectal cancer, type 4; Colorectal cancer, hereditary nonpolyposis, type 4. Identifiers: Orphanet 144, MedGen C1838333, MONDO:0013699, OMIM 614337. Disease mechanism: loss of function.

Submissions (4):

Myriad Genetics, Inc.
Classification: Pathogenic for Lynch syndrome 4. Last evaluated: 2023-09-20. Review status: criteria provided, single submitter. Criteria: Myriad Autosomal Dominant, Autosomal Recessive and X-Linked Classification Criteria (2023). Collection method: clinical testing. Allele origin: unknown.
Comment: This variant is considered pathogenic. This variant creates a frameshift predicted to result in premature protein truncation.

All of Us Research Program, National Institutes of Health
Classification: Pathogenic for Lynch syndrome. Last evaluated: 2023-09-18. Review status: criteria provided, single submitter. Criteria: ACMG Guidelines, 2015. Collection method: clinical testing. Allele origin: germline. Inheritance: Autosomal dominant inheritance. Observed: 1 variant allele, 1 heterozygote.
Comment: This variant deletes 14 nucleotides in exon 11 of the PMS2 gene, creating a frameshift and premature translation stop signal. This variant is expected to result in an absent or non-functional protein product. To our knowledge, this variant has not been reported in individuals affected with PMS2-related disorders in the literature. This variant has not been identified in the general population by the Genome Aggregation Database (gnomAD). Loss of PMS2 function is a known mechanism of disease. Based on the available evidence, this variant is classified as Pathogenic.

This study involves interpretation of variants in research participants for the purpose of population health screening. Participant phenotype was not available at the time of variant classification. Additional details can be found in publication PMID: 35346344, PMCID: PMC8962531

Color Diagnostics, LLC DBA Color Health
Classification: Pathogenic for Hereditary cancer-predisposing syndrome. Last evaluated: 2023-07-21. Review status: criteria provided, single submitter. Criteria: ACMG Guidelines, 2015. Collection method: clinical testing. Allele origin: germline.
Comment: This variant deletes 14 nucleotides in exon 11 of the PMS2 gene, creating a frameshift and premature translation stop signal. This variant is expected to result in an absent or non-functional protein product. To our knowledge, this variant has not been reported in individuals affected with PMS2-related disorders in the literature. This variant has not been identified in the general population by the Genome Aggregation Database (gnomAD). Loss of PMS2 function is a known mechanism of disease. Based on the available evidence, this variant is classified as Pathogenic.

Labcorp Genetics (formerly Invitae), Labcorp
Classification: Pathogenic for Hereditary nonpolyposis colorectal neoplasms. Last evaluated: 2022-11-08. Review status: criteria provided, single submitter. Criteria: Invitae Variant Classification Sherloc (09022015). Collection method: clinical testing. Allele origin: germline.
Comment: This sequence change creates a premature translational stop signal (p.Glu491Alafs*9) in the PMS2 gene. It is expected to result in an absent or disrupted protein product. Loss-of-function variants in PMS2 are known to be pathogenic (PMID: 21376568, 24362816). This variant is not present in population databases (gnomAD no frequency). This variant has not been reported in the literature in individuals affected with PMS2-related conditions. ClinVar contains an entry for this variant (Variation ID: 572207). For these reasons, this variant has been classified as Pathogenic.

Literature cited by the submitters: PubMed 21376568 (cited by Labcorp Genetics (formerly Invitae), Labcorp); PubMed 24362816 (cited by Labcorp Genetics (formerly Invitae), Labcorp).